The following is an entry in ClinVar:

NM_012210.4(TRIM32):c.485A>G (p.Glu162Gly)

Genes: ASTN2 (astrotactin 2; minus strand), TRIM32 (tripartite motif containing 32; plus strand). Cytogenetic location: 9q33.1.
Variant type: single nucleotide variant.
Coding change: c.485A>G on transcript NM_012210.4 (MANE Select); coding-DNA position 485, A replaced by G.
Protein change: p.Glu162Gly; replaces glutamic acid 162 with glycine.
Molecular consequence: missense variant. On other transcripts: intron variant (3).
Genome position (GRCh38, 1-based): chr9:116,698,227, A>G. VCF-style: chr9-116698227-A-G. GRCh37 (hg19) VCF-style: chr9-119460506-A-G.
Other names: c.485A>G, p.Glu162Gly (NM_001099679.2, NM_001379048.1, NM_001379049.1 and 1 more transcripts); c.2653+27544T>C (NM_014010.5); c.2794+27544T>C (NM_001365069.1); c.2806+27544T>C (NM_001365068.1); short protein forms E162G.
Identifiers: ClinVar variation 1411548 (VCV001411548.5), dbSNP rs1018629963, ClinGen allele CA198769609.
Genomic context (GRCh38, chr9:116,698,227, plus strand): 5'-CTGAGGAGCGGCGTCGGGACTTTGGAGAGAAGTTAACTCGTCTGCGGGAACTTATGGGGG[A>G]GCTGCAGCGGCGGAAGGCAGCCTTGGAAGGTGTCTCCAAGGACCTTCAGGCAAGGTATAA-3'
Protein context (NP_036342.2, residues 152-172): KLTRLRELMG[Glu162Gly]LQRRKAALEG

ClinVar aggregate classification (germline): Uncertain significance (1 of 4 stars; one submission).

Conditions:
Bardet-Biedl syndrome (BBS). Identifiers: Orphanet 110, MedGen C0752166, MONDO:0015229.

Allele frequency attached by ClinVar (database versions not stated): gnomAD exomes below 0.00001; TOPMed below 0.00001.
gnomAD v4.1: 1 of 1,614,008 alleles (0.000062%); highest among the groups gnomAD compares: Non-Finnish European, 0.000085%; no homozygotes.

Submission:

Labcorp Genetics (formerly Invitae), Labcorp
Classification: Uncertain significance for Bardet-Biedl syndrome. Last evaluated: 2021-08-20. Review status: criteria provided, single submitter. Criteria: Invitae Variant Classification Sherloc (09022015). Collection method: clinical testing. Allele origin: germline.
Comment: This sequence change replaces glutamic acid with glycine at codon 162 of the TRIM32 protein (p.Glu162Gly). The glutamic acid residue is moderately conserved and there is a moderate physicochemical difference between glutamic acid and glycine. This variant is not present in population databases (ExAC no frequency). This variant has not been reported in the literature in individuals affected with TRIM32-related conditions. Algorithms developed to predict the effect of missense changes on protein structure and function (SIFT, PolyPhen-2, Align-GVGD) all suggest that this variant is likely to be tolerated. In summary, the available evidence is currently insufficient to determine the role of this variant in disease. Therefore, it has been classified as a Variant of Uncertain Significance.